The following is an entry in ClinVar:

ClinVar aggregate classification (germline): Conflicting classifications of pathogenicity. Review status: criteria provided, conflicting classifications (1 of 4 stars). 2 submissions from 2 submitters: Uncertain significance (1); Likely benign (1). Last evaluated 2024-12-10.

Conditions:
Inborn genetic diseases. Identifiers: MedGen C0950123, MeSH D030342.
Developmental and epileptic encephalopathy 94 (DEE94). Also called: CHD2-Related Neurodevelopmental Disorders; Epileptic encephalopathy, childhood-onset. Identifiers: Orphanet 1942, Orphanet 2382, MedGen C3809278, MONDO:0014150, OMIM 615369.

Allele frequency attached by ClinVar (database versions not stated): gnomAD exomes below 0.00001; ExAC 0.00001; TOPMed 0.00001; gnomAD 0.00002 and 0.00003.
gnomAD v4.1: 3 of 1,613,620 alleles (0.00019%); highest among the groups gnomAD compares: African/African-American, 0.004%; no homozygotes.

Submissions (2):

Ambry Genetics
Classification: Likely benign for Inborn genetic diseases. Last evaluated: 2024-12-10. Review status: criteria provided, single submitter. Criteria: Ambry Variant Classification Scheme 2023. Collection method: clinical testing. Allele origin: germline.

Labcorp Genetics (formerly Invitae), Labcorp
Classification: Uncertain significance for Developmental and epileptic encephalopathy 94. Last evaluated: 2024-09-01. Review status: criteria provided, single submitter. Criteria: Invitae Variant Classification Sherloc (09022015). Collection method: clinical testing. Allele origin: germline.
Comment: This sequence change replaces leucine, which is neutral and non-polar, with methionine, which is neutral and non-polar, at codon 1355 of the CHD2 protein (p.Leu1355Met). This variant is present in population databases (rs748470273, gnomAD 0.007%). This variant has not been reported in the literature in individuals affected with CHD2-related conditions. ClinVar contains an entry for this variant (Variation ID: 1017069). Invitae Evidence Modeling of protein sequence and biophysical properties (such as structural, functional, and spatial information, amino acid conservation, physicochemical variation, residue mobility, and thermodynamic stability) indicates that this missense variant is not expected to disrupt CHD2 protein function with a negative predictive value of 95%. In summary, the available evidence is currently insufficient to determine the role of this variant in disease. Therefore, it has been classified as a Variant of Uncertain Significance.

NM_001271.4(CHD2):c.4063C>A (p.Leu1355Met)

Gene: CHD2 (chromodomain helicase DNA binding protein 2; plus strand). Cytogenetic location: 15q26.1.
Variant type: single nucleotide variant.
Coding change: c.4063C>A on transcript NM_001271.4 (MANE Select); coding-DNA position 4063, C replaced by A.
Protein change: p.Leu1355Met; replaces leucine 1355 with methionine.
Molecular consequence: missense variant.
Genome position (GRCh38, 1-based): chr15:93,000,566, C>A. VCF-style: chr15-93000566-C-A. GRCh37 (hg19) VCF-style: chr15-93543796-C-A.
Other names: c.4063C>A (NM_001271.3); short protein forms L1355M.
Identifiers: ClinVar variation 1017069 (VCV001017069.10), dbSNP rs748470273, ClinGen allele CA7748367.
Genomic context (GRCh38, chr15:93,000,566, plus strand): 5'-TTCCAGGCCAAATTAAAGAAGCGGAAGCCTCGGGTAAAGAAGGAAAACAAAGTGCCCAGG[C>A]TGAAAGAGGAGCATGGAATTGAGCTTTCATCTCCTAGGCATTCAGATAATCCATCAGAAG-3'
Protein context (NP_001262.3, residues 1345-1365): RVKKENKVPR[Leu1355Met]KEEHGIELSS